The following is an entry in ClinVar:

ClinVar aggregate classification (germline): Pathogenic. Review status: criteria provided, multiple submitters, no conflicts (2 of 4 stars). 8 submissions from 8 submitters: Pathogenic (8). Last evaluated 2026-06-11.

Conditions:
ABCB11-related disorder. Also called: ABCB11-related condition.
Progressive familial intrahepatic cholestasis type 2. Identifiers: Orphanet 79304, MedGen C3489789, MONDO:0011156, OMIM 601847.
Familial intrahepatic cholestasis. Identifiers: Orphanet 284385, MedGen CN296401, MONDO:0017290.
Benign recurrent intrahepatic cholestasis type 2 (BRIC2). Also called: Recurrent familial intrahepatic cholestasis 2. Identifiers: Orphanet 65682, Orphanet 99961, MedGen C2608083, MONDO:0011559, OMIM 605479.
Abnormal liver function tests during pregnancy. Identifiers: MedGen C4021883, HP:0200148.
Intrahepatic cholestasis. Identifiers: MedGen C0008372, MONDO:0019072, HP:0001406.
Pruritus. Also called: Itchy skin. Identifiers: MedGen C0033774, HP:0000989.

Allele frequency attached by ClinVar (database versions not stated): ExAC below 0.00001; gnomAD 0.00001; gnomAD exomes 0.00001; TOPMed 0.00001.
gnomAD v4.1: 10 of 1,609,170 alleles (0.00062%); highest among the groups gnomAD compares: East Asian, 0.0045%; no homozygotes.

Submissions (8):

PreventionGenetics, part of Exact Sciences
Classification: Pathogenic for ABCB11-related condition. Last evaluated: 2026-06-11. Review status: criteria provided, single submitter. Criteria: ACMG Guidelines, 2015. Collection method: clinical testing. Allele origin: germline.
Comment: The ABCB11 c.3148C>T variant is predicted to result in the amino acid substitution p.Arg1050Cys. This variant has been reported in the homozygous or presumed compound heterozygous state in individuals with benign recurrent intrahepatic cholestasis (BRIC) (van Mil et al. 2004. PubMed ID: 15300568; Table S1, Dröge et al. 2017. PubMed ID: 28733223). It has also been reported in a toddler with severe cholestasis, initially thought to be drug-induced liver injury. In this toddler, p.Arg1050Cys was reported in the compound heterozygous state along with a second pathogenic ABCB11 variant (Fotoulaki et al. 2019. PubMed ID: 31015375). Functional studies demonstrate this variant impairs cellular localization and results in a predominance of immature protein (Lam et al. 2007. PubMed ID: 17855769). This variant is reported in 0.011% of alleles in individuals of East Asian descent in gnomAD. This variant is interpreted as pathogenic.

Genomenon, Inc
Classification: Pathogenic for Familial intrahepatic cholestasis. Last evaluated: 2026-04-14. Review status: criteria provided, single submitter. Criteria: Genomenon Sequence Variant Interpretation Standards - Updated. Collection method: curation. Allele origin: germline. Affected: yes.
Comment: ABCB11 p.Arg1050Cys (c.3148C>T) is a missense variant that changes the amino acid at residue 1050 from Arginine to Cysteine. This variant has been observed in at least one proband with an ABCB11-related disorder (PMID:35780807;35626323;32087350;31015375;28733223;21822150;15300568;26678486). The variant was found to segregate with disease in at least one affected family (PMID:15300568). At least one functional study has demonstrated a substantial alteration in protein function relative to the wild-type (PMID:17947449;17855769). It is absent or not present at a significant frequency in gnomAD. In silico models predict that this variant is possibly or probably damaging. In conclusion, we classify ABCB11 p.Arg1050Cys (c.3148C>T) as a pathogenic variant.

Natera, Inc.
Classification: Pathogenic for Progressive familial intrahepatic cholestasis type 2. Last evaluated: 2024-11-13. Review status: criteria provided, single submitter. Criteria: Natera Variant Classification Schema (03/2026). Collection method: clinical testing. Allele origin: germline.
Comment: The c.3148C>T variant in ABCB11 is a missense variant predicted to cause substitution of arginine to cysteine at amino acid 1050. This variant is rare in the general population with a frequency below the threshold expected for the associated phenotype(s). This variant has been observed in one or more individuals affected with the associated recessive disease, as either homozygous or compound heterozygous with a second variant (PMID: 31015375, 15300568, 32087350). Additionally, this variant has been observed to segregate in affected family members (PMID: 15300568). Functional studies show that this variant may disrupt protein function (PMID: 17855769). Computational prediction algorithms indicate this variant is likely to affect gene or protein function. Given the available evidence, this variant is classified as Pathogenic.

Baylor Genetics
Classification: Pathogenic for Benign recurrent intrahepatic cholestasis type 2. Last evaluated: 2024-03-12. Review status: criteria provided, single submitter. Criteria: ACMG Guidelines, 2015. Collection method: clinical testing. Allele origin: unknown.

Labcorp Genetics (formerly Invitae), Labcorp
Classification: Pathogenic. Last evaluated: 2024-01-02. Review status: criteria provided, single submitter. Criteria: Invitae Variant Classification Sherloc (09022015). Collection method: clinical testing. Allele origin: germline.
Comment: This sequence change replaces arginine, which is basic and polar, with cysteine, which is neutral and slightly polar, at codon 1050 of the ABCB11 protein (p.Arg1050Cys). This variant is present in population databases (rs72549398, gnomAD 0.01%). This missense change has been observed in individual(s) with benign recurrent intrahepatic cholestasis (PMID: 15300568, 31015375). In at least one individual the data is consistent with being in trans (on the opposite chromosome) from a pathogenic variant. It has also been observed to segregate with disease in related individuals. ClinVar contains an entry for this variant (Variation ID: 374098). Advanced modeling of protein sequence and biophysical properties (such as structural, functional, and spatial information, amino acid conservation, physicochemical variation, residue mobility, and thermodynamic stability) has been performed at Invitae for this missense variant, however the output from this modeling did not meet the statistical confidence thresholds required to predict the impact of this variant on ABCB11 protein function. Studies have shown that this missense change alters ABCB11 gene expression (PMID: 17855769). For these reasons, this variant has been classified as Pathogenic.

Blueprint Genetics
Classification: Pathogenic for ABCB11-related disorders. Last evaluated: 2023-08-11. Review status: criteria provided, single submitter. Criteria: ACMG Guidelines, 2015. Collection method: clinical testing. Allele origin: germline. Affected: yes. Observed: 5 variant alleles.

CeGaT Center for Human Genetics Tuebingen
Classification: Pathogenic. Last evaluated: 2019-01-01. Review status: criteria provided, single submitter. Criteria: CeGaT Center For Human Genetics Tuebingen Variant Classification Criteria Version 2. Collection method: clinical testing. Allele origin: germline. Affected: yes. Observed: 2 variant alleles.

Centre for Mendelian Genomics, University Medical Centre Ljubljana
Classification: Pathogenic for Abnormal liver function tests during pregnancy; Intrahepatic cholestasis; Pruritus. Last evaluated: 2015-06-18. Review status: criteria provided, single submitter. Criteria: ACMG Guidelines, 2015. Collection method: clinical testing. Allele origin: unknown. Affected: yes.

Literature cited by the submitters: PubMed 35780807 (cited by Genomenon, Inc); PubMed 35626323 (cited by Genomenon, Inc); PubMed 32087350 (cited by Genomenon, Inc and Natera, Inc.); PubMed 31015375 (cited by 3 submitters); PubMed 28733223 (cited by Genomenon, Inc); PubMed 21822150 (cited by Genomenon, Inc); PubMed 15300568 (cited by 3 submitters); PubMed 26678486 (cited by Genomenon, Inc); PubMed 17947449 (cited by Genomenon, Inc); PubMed 17855769 (cited by 3 submitters).

NM_003742.4(ABCB11):c.3148C>T (p.Arg1050Cys)

Gene: ABCB11 (ATP binding cassette subfamily B member 11; minus strand). Cytogenetic location: 2q31.1.
Variant type: single nucleotide variant.
Coding change: c.3148C>T on transcript NM_003742.4 (MANE Select); coding-DNA position 3148, C replaced by T.
Protein change: p.Arg1050Cys; replaces arginine 1050 with cysteine.
Molecular consequence: missense variant.
Genome position (GRCh38, 1-based): chr2:168,932,442, G>A on the plus strand (C>T on the coding strand, the complement: ABCB11 is on the minus strand). VCF-style: chr2-168932442-G-A. GRCh37 (hg19) VCF-style: chr2-169788952-G-A.
Other names: c.3148C>T, p.Arg1050Cys (LRG_1199t1); short protein forms R1050C.
Identifiers: ClinVar variation 374098 (VCV000374098.53), dbSNP rs72549398, ClinGen allele CA1951095.